The following is an entry in ClinVar:

ClinVar aggregate classification (germline): Pathogenic (1 of 4 stars; one submission).

Conditions:
Congenital lactic acidosis, Saguenay-Lac-Saint-Jean type (MC4DN5). Also called: CYTOCHROME c OXIDASE DEFICIENCY, FRENCH CANADIAN TYPE; COX DEFICIENCY, FRENCH CANADIAN TYPE; MITOCHONDRIAL COMPLEX IV DEFICIENCY, NUCLEAR TYPE 5. Identifiers: Orphanet 70472, MedGen C1857355, MONDO:0009069, OMIM 220111.

Submission:

Myriad Genetics, Inc.
Classification: Pathogenic for Congenital lactic acidosis, Saguenay-Lac-Saint-Jean type. Last evaluated: 2023-09-27. Review status: criteria provided, single submitter. Criteria: Myriad Autosomal Dominant, Autosomal Recessive and X-Linked Classification Criteria (2023). Collection method: clinical testing. Allele origin: unknown.
Comment: NM_133259.3(LRPPRC):c.2364dupC(F789Lfs*13) is expected to be pathogenic in the context of Leigh syndrome, French-Canadian type. This variant is predicted to lead to an abnormal or absent protein product due to the creation of a premature termination codon in LRPPRC, a gene where loss-of-function variants are known to be pathogenic. Please note: this variant was assessed in the context of healthy population screening.

NM_133259.4(LRPPRC):c.2364dup (p.Phe789fs)

Gene: LRPPRC (leucine rich pentatricopeptide repeat containing; minus strand). Cytogenetic location: 2p21.
Variant type: Duplication.
Coding change: c.2364dup on transcript NM_133259.4 (MANE Select); coding-DNA position 2364, one base duplicated (C; older notation c.2364dupC).
Protein change: p.Phe789fs; shifts the reading frame from phenylalanine 789.
Molecular consequence: frameshift variant.
Genome position (GRCh38, 1-based): chr2:43,943,827, G duplicated on the plus strand (C on the coding strand, the reverse complement: LRPPRC is on the minus strand); the first of 2 consecutive G bases (chr2:43,943,827-43,943,828); duplicating either gives the same sequence. VCF-style (leftmost placement, unchanged base first): chr2-43943826-A-AG. GRCh37 (hg19) VCF-style: chr2-44170965-A-AG.
Other names: short protein forms F789fs.
Identifiers: ClinVar variation 5011812 (VCV005011812.1).